The following is an entry in ClinVar:

ClinVar aggregate classification (germline): Uncertain significance. Review status: criteria provided, multiple submitters, no conflicts (2 of 4 stars). 2 submissions from 2 submitters: Uncertain significance (2). Last evaluated 2024-04-01.

Conditions:
Hereditary cancer-predisposing syndrome. Also called: Neoplastic Syndromes, Hereditary; Tumor predisposition; Hereditary Cancer Syndrome; Hereditary neoplastic syndrome. Identifiers: Orphanet 140162, MedGen C0027672, MeSH D009386, MONDO:0015356.
DICER1-related tumor predisposition. Also called: DICER1-related pleuropulmonary blastoma cancer predisposition syndrome; DICER1 syndrome. Identifiers: Orphanet 284343, MedGen C3839822, MONDO:0100216.

Submissions (2):

Ambry Genetics
Classification: Uncertain significance for Hereditary cancer-predisposing syndrome. Last evaluated: 2024-04-01. Review status: criteria provided, single submitter. Criteria: Ambry Variant Classification Scheme 2023. Collection method: clinical testing. Allele origin: germline.
Comment: The p.A677T variant (also known as c.2029G>A), located in coding exon 11 of the DICER1 gene, results from a G to A substitution at nucleotide position 2029. The alanine at codon 677 is replaced by threonine, an amino acid with similar properties. This amino acid position is conserved. In addition, this alteration is predicted to be tolerated by in silico analysis. Based on the available evidence, the clinical significance of this alteration remains unclear.

Labcorp Genetics (formerly Invitae), Labcorp
Classification: Uncertain significance for DICER1-related tumor predisposition. Last evaluated: 2017-11-16. Review status: criteria provided, single submitter. Criteria: Invitae Variant Classification Sherloc (09022015). Collection method: clinical testing. Allele origin: germline.
Comment: In summary, the available evidence is currently insufficient to determine the role of this variant in disease. Therefore, it has been classified as a Variant of Uncertain Significance. Algorithms developed to predict the effect of missense changes on protein structure and function (SIFT, PolyPhen-2, Align-GVGD) all suggest that this variant is likely to be tolerated, but these predictions have not been confirmed by published functional studies and their clinical significance is uncertain. This variant has not been reported in the literature in individuals with DICER1-related disease. This variant is not present in population databases (ExAC no frequency). This sequence change replaces alanine with threonine at codon 677 of the DICER1 protein (p.Ala677Thr). The alanine residue is moderately conserved and there is a small physicochemical difference between alanine and threonine.

NM_177438.3(DICER1):c.2029G>A (p.Ala677Thr)

Gene: DICER1 (dicer 1, ribonuclease III; minus strand). Cytogenetic location: 14q32.13.
Variant type: single nucleotide variant.
Coding change: c.2029G>A on transcript NM_177438.3 (MANE Select); coding-DNA position 2029, G replaced by A.
Protein change: p.Ala677Thr; replaces alanine 677 with threonine.
Molecular consequence: missense variant.
Genome position (GRCh38, 1-based): chr14:95,113,103, C>T on the plus strand (G>A on the coding strand, the complement: DICER1 is on the minus strand). VCF-style: chr14-95113103-C-T. GRCh37 (hg19) VCF-style: chr14-95579440-C-T.
Other names: c.2029G>A, p.Ala677Thr (NM_001195573.1, NM_001271282.3, NM_001291628.2 and 1 more transcripts); short protein forms A677T.
Identifiers: ClinVar variation 543556 (VCV000543556.11), dbSNP rs1555372041, ClinGen allele CA390883177.